The following is an entry in ClinVar:

ClinVar aggregate classification (germline): Uncertain significance (1 of 4 stars; one submission).

Allele frequency attached by ClinVar (database versions not stated): gnomAD exomes 0.00005 and 0.00007; ExAC 0.00007; TOPMed 0.00009; gnomAD 0.00012 and 0.00013.
gnomAD v4.1: 116 of 1,580,950 alleles (0.0073%); highest among the groups gnomAD compares: Non-Finnish European, 0.0095%; no homozygotes.

Submission:

Labcorp Genetics (formerly Invitae), Labcorp
Classification: Uncertain significance. Last evaluated: 2024-02-13. Review status: criteria provided, single submitter. Criteria: Invitae Variant Classification Sherloc (09022015). Collection method: clinical testing. Allele origin: germline.
Comment: This sequence change replaces threonine, which is neutral and polar, with proline, which is neutral and non-polar, at codon 27 of the ERBB2 protein (p.Thr27Pro). This variant is present in population databases (rs779913120, gnomAD 0.01%). This variant has not been reported in the literature in individuals affected with ERBB2-related conditions. ClinVar contains an entry for this variant (Variation ID: 1391585). An algorithm developed to predict the effect of missense changes on protein structure and function (PolyPhen-2) suggests that this variant is likely to be disruptive. In summary, the available evidence is currently insufficient to determine the role of this variant in disease. Therefore, it has been classified as a Variant of Uncertain Significance.

NM_004448.4(ERBB2):c.79A>C (p.Thr27Pro)

Gene: ERBB2 (erb-b2 receptor tyrosine kinase 2; plus strand). Cytogenetic location: 17q12.
Variant type: single nucleotide variant.
Coding change: c.79A>C on transcript NM_004448.4 (MANE Select); coding-DNA position 79, A replaced by C.
Protein change: p.Thr27Pro; replaces threonine 27 with proline.
Molecular consequence: missense variant. On other transcripts: 5 prime UTR variant (4), non-coding transcript variant (1), intron variant (1).
Genome position (GRCh38, 1-based): chr17:39,706,995, A>C. VCF-style: chr17-39706995-A-C. GRCh37 (hg19) VCF-style: chr17-37863248-A-C.
Other names: c.-12A>C (NM_001005862.3, NM_001289938.2, NM_001382782.1 and 1 more transcripts); c.34A>C, p.Thr12Pro (NM_001289936.2); c.79A>C, p.Thr27Pro (NM_001289937.2, NM_001382784.1, NM_001382785.1 and 20 more transcripts); c.74-4933A>C (NM_001382804.1); short protein forms T27P, T12P.
Identifiers: ClinVar variation 1391585 (VCV001391585.6), dbSNP rs779913120, ClinGen allele CA8533529.